The following is an entry in ClinVar:

ClinVar aggregate classification (germline): Uncertain significance (1 of 4 stars; one submission).

Submission:

Labcorp Genetics (formerly Invitae), Labcorp
Classification: Uncertain significance. Last evaluated: 2022-02-02. Review status: criteria provided, single submitter. Criteria: Invitae Variant Classification Sherloc (09022015). Collection method: clinical testing. Allele origin: germline.
Comment: In summary, the available evidence is currently insufficient to determine the role of this variant in disease. Therefore, it has been classified as a Variant of Uncertain Significance. Variants that disrupt the consensus splice site are a relatively common cause of aberrant splicing (PMID: 17576681, 9536098). Algorithms developed to predict the effect of sequence changes on RNA splicing suggest that this variant may disrupt the consensus splice site. This variant has been observed in individual(s) with Stargardt Disease (Invitae). This variant is not present in population databases (gnomAD no frequency). This sequence change falls in intron 17 of the ABCA4 gene. It does not directly change the encoded amino acid sequence of the ABCA4 protein. It affects a nucleotide within the consensus splice site.

Literature cited by the submitters: PubMed 17576681; PubMed 9536098.

NM_000350.3(ABCA4):c.2653+5G>A

Gene: ABCA4 (ATP binding cassette subfamily A member 4; minus strand). Cytogenetic location: 1p22.1.
Variant type: single nucleotide variant.
Coding change: c.2653+5G>A on transcript NM_000350.3 (MANE Select); 5 bases into the intron after coding-DNA position 2653, G replaced by A.
Molecular consequence: intron variant.
Genome position (GRCh38, 1-based): chr1:94,051,628, C>T on the plus strand (G>A on the coding strand, the complement: ABCA4 is on the minus strand). VCF-style: chr1-94051628-C-T. GRCh37 (hg19) VCF-style: chr1-94517184-C-T.
Identifiers: ClinVar variation 1479978 (VCV001479978.8), dbSNP rs2101063293, ClinGen allele CA2573132725.